The following is an entry in ClinVar:

NM_001005177.3(OR52R1):c.81G>C (p.Gln27His)

Genes: MMP26 (matrix metallopeptidase 26; plus strand), OR52R1 (olfactory receptor family 52 subfamily R member 1; minus strand). Cytogenetic location: 11p15.4.
Variant type: single nucleotide variant.
Coding change: c.81G>C on transcript NM_001005177.3 (MANE Select); coding-DNA position 81, G replaced by C.
Protein change: p.Gln27His; replaces glutamine 27 with histidine.
Molecular consequence: missense variant. On other transcripts: intron variant (2).
Genome position (GRCh38, 1-based): chr11:4,804,300, C>G on the plus strand (G>C on the coding strand, the complement: OR52R1 is on the minus strand). VCF-style: chr11-4804300-C-G. GRCh37 (hg19) VCF-style: chr11-4825530-C-G.
Other names: c.-145+36959C>G (NM_021801.5); c.-153+36959C>G (NM_001384608.1); short protein forms Q27H.
Identifiers: ClinVar variation 2641535 (VCV002641535.24), dbSNP rs61746977, ClinGen allele CA5835560.

ClinVar aggregate classification (germline): Likely benign (1 of 4 stars; one submission).

Allele frequency attached by ClinVar (database versions not stated): 1000 Genomes Project 30x 0.00047; 1000 Genomes Project 0.00060; ESP Exome Variant Server 0.00108.
gnomAD v4.1: 2,451 of 1,614,068 alleles (0.15%); highest among the groups gnomAD compares: Non-Finnish European, 0.19%; 5 homozygotes.

Submission:

CeGaT Center for Human Genetics Tuebingen
Classification: Likely benign. Last evaluated: 2022-11-01. Review status: criteria provided, single submitter. Criteria: CeGaT Center For Human Genetics Tuebingen Variant Classification Criteria Version 2. Collection method: clinical testing. Allele origin: germline. Affected: yes. Observed: 1 variant allele.
Comment: OR52R1: BP4